The following is an entry in ClinVar:

ClinVar aggregate classification (germline): Uncertain significance (1 of 4 stars; one submission).

Conditions:
Dyskeratosis congenita, autosomal dominant 6 (DKCA6). Identifiers: Orphanet 3322, MedGen C4225284, MONDO:0014690, OMIM 616553.

Submission:

Labcorp Genetics (formerly Invitae), Labcorp
Classification: Uncertain significance for Dyskeratosis congenita, autosomal dominant 6. Last evaluated: 2024-11-22. Review status: criteria provided, single submitter. Criteria: Invitae Variant Classification Sherloc (09022015). Collection method: clinical testing. Allele origin: germline.
Comment: This sequence change creates a premature translational stop signal (p.Arg34Profs*86) in the ACD gene. It is expected to result in an absent or disrupted protein product. However, the current clinical and genetic evidence is not sufficient to establish whether loss-of-function variants in ACD cause disease. This variant is present in population databases (no rsID available, gnomAD 0.006%). This variant has not been reported in the literature in individuals affected with ACD-related conditions. ClinVar contains an entry for this variant (Variation ID: 2885963). Experimental studies and prediction algorithms are not available or were not evaluated, and the functional significance of this variant is currently unknown. In summary, the available evidence is currently insufficient to determine the role of this variant in disease. Therefore, it has been classified as a Variant of Uncertain Significance.

NC_000016.10:g.67660383dup

Genes: ACD (ACD shelterin complex subunit and telomerase recruitment factor; minus strand), LOC130059224 (ATAC-STARR-seq lymphoblastoid silent region 7617; plus strand). Cytogenetic location: 16q22.1.
Variant type: Duplication.
Genome position: GRCh38 VCF-style: chr16-67660378-C-CG. GRCh37 (hg19) VCF-style: chr16-67694281-C-CG.
Identifiers: ClinVar variation 2885963 (VCV002885963.3), dbSNP rs1256494960, ClinGen allele CA623120869.
Genomic context (GRCh38, chr16:67,660,378, plus strand): 5'-GGCCGGAGGAGGAGGCCCCGCCCACGTACACCCCGCGCCTGCGCACGAGGGCGTCCTGCT[C>CG]GGGGGCCTGTGTGCAGACTCCCGCTGGTCCACCCCGCTGGTGCACGGGATGCTGGCCCGT-3'